The following is an entry in ClinVar:

ClinVar aggregate classification (germline): Uncertain significance. Review status: criteria provided, multiple submitters, no conflicts (2 of 4 stars). 2 submissions from 2 submitters: Uncertain significance (2). Last evaluated 2024-01-31.

Conditions:
Cataract 5 multiple types (CTRCT5). Also called: CATARACT, MARNER TYPE; CATARACT 5, LAMELLAR; Lamellar cataract. Identifiers: Orphanet 91492, MedGen C0266537, MONDO:0007290, OMIM 116800, HP:0007971.

gnomAD v4.1: 65 of 1,597,396 alleles (0.0041%); highest among the groups gnomAD compares: Non-Finnish European, 0.0049%; no homozygotes.

Submissions (2):

Blueprint Genetics
Classification: Uncertain significance. Last evaluated: 2024-01-31. Review status: criteria provided, single submitter. Criteria: ACMG Guidelines, 2015. Collection method: clinical testing. Allele origin: germline.

Victorian Clinical Genetics Services, Murdoch Childrens Research Institute
Classification: Uncertain significance for Cataract 5 multiple types. Last evaluated: 2020-07-02. Review status: criteria provided, single submitter. Criteria: ACMG Guidelines, 2015. Collection method: clinical testing. Allele origin: germline. Inheritance: Autosomal recessive inheritance. Affected: yes.
Comment: Based on the classification scheme VCGS_Germline_v1.1.1, this variant is classified as 3B-VUS. Following criteria are met: 0102 - Loss-of-function is a known mechanism of disease for this gene. (N) 0108 - This gene is known to be associated with both recessive and dominant disease. Variants associated with the autosomal dominant disease are missense variants and a splice variant in the DNA-binding domain, whereas variants associated with the autosomal recessive disease are located within the hydrophobic repeat (HR-A/B) domain and the downstream of hydrophobic repeat domain (PMID: 31815953). (N) 0200 - Variant is predicted to result in a missense amino acid change from proline to arginine (exon 11). (N) 0251 - Variant is heterozygous. (N) 0304 - Variant is present in gnomAD <0.01 (6 heterozygotes, 0 homozygotes). (P) 0309 - An alternative amino acid change at the same position has been observed in gnomAD (17 heterozygotes, 0 homozygotes). (N) 0501 - Missense variant consistently predicted to be damaging by multiple in silico tools or highly conserved with a major amino acid change. (P) 0604 - Variant is not located within the DNA-binding domain, and is not located in an established domain, motif, hotspot or informative constraint region (NCBI). (N) 0705 - No comparable variants have previous evidence for pathogenicity. (N) 0807 - Variant has not previously been reported in a clinical context. (N) 0905 - No segregation evidence has been identified for this variant. (N) 1007 - No published functional evidence has been identified for this variant. (N) 1208 - Inheritance information for this variant is not currently available. (N) Legend: (P) - Pathogenic, (N) - Neutral, (B) - Benign

Literature cited by the submitters: PubMed 31815953 (cited by Victorian Clinical Genetics Services, Murdoch Childrens Research Institute).

NM_001374675.1(HSF4):c.965C>G (p.Pro322Arg)

Gene: HSF4 (heat shock transcription factor 4; plus strand). Cytogenetic location: 16q22.1.
Variant type: single nucleotide variant.
Coding change: c.965C>G on transcript NM_001374675.1 (MANE Select); coding-DNA position 965, C replaced by G.
Protein change: p.Pro322Arg; replaces proline 322 with arginine.
Molecular consequence: missense variant.
Genome position (GRCh38, 1-based): chr16:67,167,830, C>G. VCF-style: chr16-67167830-C-G. GRCh37 (hg19) VCF-style: chr16-67201733-C-G.
Other names: c.965C>G, p.Pro322Arg (NM_001040667.3); c.875C>G, p.Pro292Arg (NM_001374674.1, NM_001538.4); short protein forms P292R, P322R.
Identifiers: ClinVar variation 3376935 (VCV003376935.2).